The following is an entry in ClinVar:

ClinVar aggregate classification (germline): Uncertain significance (1 of 4 stars; one submission).

Conditions:
Cystic fibrosis (CF). Also called: MUCOVISCIDOSIS. Identifiers: Orphanet 586, MedGen C0010674, MONDO:0009061, OMIM 219700. Disease mechanism: loss of function.

Allele frequency attached by ClinVar (database versions not stated): ExAC 0.00001; gnomAD exomes below 0.00001.

Submission:

Ambry Genetics
Classification: Uncertain significance for Cystic fibrosis. Last evaluated: 2023-11-03. Review status: criteria provided, single submitter. Criteria: Ambry Variant Classification Scheme 2023. Collection method: clinical testing. Allele origin: germline.
Comment: The p.K1200Q variant (also known as c.3598A>C), located in coding exon 22 of the CFTR gene, results from an A to C substitution at nucleotide position 3598. The lysine at codon 1200 is replaced by glutamine, an amino acid with similar properties. This amino acid position is conserved. In addition, the in silico prediction for this alteration is inconclusive. Since supporting evidence is limited at this time, the clinical significance of this alteration remains unclear.

NM_000492.4(CFTR):c.3598A>C (p.Lys1200Gln)

Genes: CFTR (CF transmembrane conductance regulator; plus strand), CFTR-AS2 (CFTR antisense RNA 2; minus strand). Cytogenetic location: 7q31.2.
Variant type: single nucleotide variant.
Coding change: c.3598A>C on transcript NM_000492.4 (MANE Select); coding-DNA position 3598, A replaced by C.
Protein change: p.Lys1200Gln; replaces lysine 1200 with glutamine.
Molecular consequence: missense variant.
Genome position (GRCh38, 1-based): chr7:117,627,651, A>C. VCF-style: chr7-117627651-A-C. GRCh37 (hg19) VCF-style: chr7-117267705-A-C.
Other names: short protein forms K1200Q.
Identifiers: ClinVar variation 3231894 (VCV003231894.1), dbSNP rs757314646, ClinGen allele CA4451507.